The following is an entry in ClinVar:

ClinVar aggregate classification (germline): Conflicting classifications of pathogenicity. Review status: criteria provided, conflicting classifications (1 of 4 stars). 5 submissions from 5 submitters: Uncertain significance (1); Likely benign (3). 1 of the submissions does not count toward it. Last evaluated 2026-01-22.

Conditions:
LOXHD1-related disorder. Also called: LOXHD1-related condition.
Autosomal recessive nonsyndromic hearing loss 77. Identifiers: Orphanet 90636, MedGen C2746083, MONDO:0013119, OMIM 613079.

Allele frequency attached by ClinVar (database versions not stated): gnomAD exomes 0.00013 and 0.00025; ExAC 0.00055; gnomAD 0.00118 and 0.00125; TOPMed 0.00135; 1000 Genomes Project 30x 0.00172; 1000 Genomes Project 0.00180.
gnomAD v4.1: 361 of 1,551,612 alleles (0.023%); highest among the groups gnomAD compares: African/African-American, 0.48%; 2 homozygotes.

Submissions (5):

Labcorp Genetics (formerly Invitae), Labcorp
Classification: Likely benign. Last evaluated: 2026-01-22. Review status: criteria provided, single submitter. Criteria: Invitae Variant Classification Sherloc (09022015). Collection method: clinical testing. Allele origin: germline.

PreventionGenetics, part of Exact Sciences
Classification: Likely benign for LOXHD1-related condition. Last evaluated: 2025-01-23. Review status: criteria provided, single submitter. Criteria: ACMG Guidelines, 2015. Collection method: clinical testing. Allele origin: germline.
Comment: This variant is classified as likely benign based on ACMG/AMP sequence variant interpretation guidelines (Richards et al. 2015 PMID: 25741868, with internal and published modifications).

Eurofins Ntd Llc (ga)
Classification: Uncertain significance. Last evaluated: 2017-04-26. Review status: criteria provided, single submitter. Criteria: EGL Classification Definitions 2015. Collection method: clinical testing. Allele origin: germline. Observed: 1 variant allele, 1 heterozygote.

Laboratory for Molecular Medicine, Mass General Brigham Personalized Medicine
Classification: Likely benign. Last evaluated: 2015-05-15. Review status: criteria provided, single submitter. Criteria: LMM Criteria. Collection method: clinical testing. Allele origin: germline. Observed: 2 variant alleles.
Comment: p.Val415Gly in exon 9 of LOXHD1: This variant is not expected to have clinical s ignificance because it has been identified in 0.44% (12/2730) of African chromos omes by the Exome Aggregation Consortium (ExAC).

Natera, Inc.
Classification: Uncertain significance for Autosomal recessive deafness type 77. Last evaluated: 2019-12-12. Review status: no assertion criteria provided. Collection method: clinical testing. Allele origin: germline. Not counted in ClinVar's aggregate classification.

NM_001384474.1(LOXHD1):c.1244T>G (p.Val415Gly)

Gene: LOXHD1 (lipoxygenase homology PLAT domains 1; minus strand). Cytogenetic location: 18q21.1.
Variant type: single nucleotide variant.
Coding change: c.1244T>G on transcript NM_001384474.1 (MANE Select); coding-DNA position 1244, T replaced by G.
Protein change: p.Val415Gly; replaces valine 415 with glycine.
Molecular consequence: missense variant.
Genome position (GRCh38, 1-based): chr18:46,594,357, A>C on the plus strand (T>G on the coding strand, the complement: LOXHD1 is on the minus strand). VCF-style: chr18-46594357-A-C. GRCh37 (hg19) VCF-style: chr18-44174320-A-C.
Other names: c.1244T>G, p.Val415Gly (NM_144612.7); short protein forms V415G.
Identifiers: ClinVar variation 227510 (VCV000227510.17), dbSNP rs529972175, ClinGen allele CA8952828.
Genomic context (GRCh38, chr18:46,594,357, plus strand): 5'-AGAGGCCTCCAGGTTCTGGGTCTCTCTCACTTACTTTTCAGCCGCTTCTTCCTGAGAGAC[A>C]CCATCTCATAGAGCTGCCTCTCAATCAACCCATCCGCTTTCTTCTCATCCAGCCAGTTGC-3'
Protein context (NP_001371403.1, residues 405-425): GLIERQLYEM[Val415Gly]SLRKKRLKKF